The following is an entry in ClinVar:

ClinVar aggregate classification (germline): Likely pathogenic (1 of 4 stars; one submission).

Allele frequency attached by ClinVar (database versions not stated): gnomAD 0.00001.
gnomAD v4.1: 1 of 1,609,078 alleles (0.000062%); highest among the groups gnomAD compares: Admixed American, 0.0017%; no homozygotes.

Submission:

Labcorp Genetics (formerly Invitae), Labcorp
Classification: Likely pathogenic. Last evaluated: 2023-11-09. Review status: criteria provided, single submitter. Criteria: Invitae Variant Classification Sherloc (09022015). Collection method: clinical testing. Allele origin: germline.
Comment: This sequence change affects a donor splice site in intron 59 of the COL27A1 gene. It is expected to disrupt RNA splicing. Variants that disrupt the donor or acceptor splice site typically lead to a loss of protein function (PMID: 16199547), and loss-of-function variants in COL27A1 are known to be pathogenic (PMID: 24986830, 28276056). This variant is not present in population databases (gnomAD no frequency). This variant has not been reported in the literature in individuals affected with COL27A1-related conditions. Algorithms developed to predict the effect of sequence changes on RNA splicing suggest that this variant may disrupt the consensus splice site. In summary, the currently available evidence indicates that the variant is pathogenic, but additional data are needed to prove that conclusively. Therefore, this variant has been classified as Likely Pathogenic.

Literature cited by the submitters: PubMed 16199547; PubMed 24986830; PubMed 28276056.

NM_032888.4(COL27A1):c.5217+1G>A

Gene: COL27A1 (collagen type XXVII alpha 1 chain; plus strand). Cytogenetic location: 9q32.
Variant type: single nucleotide variant.
Coding change: c.5217+1G>A on transcript NM_032888.4 (MANE Select); the canonical splice donor site of the intron after coding-DNA position 5217, G replaced by A.
Molecular consequence: splice donor variant.
Genome position (GRCh38, 1-based): chr9:114,307,779, G>A. VCF-style: chr9-114307779-G-A. GRCh37 (hg19) VCF-style: chr9-117070059-G-A.
Identifiers: ClinVar variation 2694559 (VCV002694559.3), dbSNP rs1829161980, ClinGen allele CA374596603.